The following is an entry in ClinVar:

ClinVar aggregate classification (germline): Uncertain significance (1 of 4 stars; one submission).

gnomAD v4.1: 3 of 1,565,504 alleles (0.00019%); highest among the groups gnomAD compares: East Asian, 0.0047%; no homozygotes.

Submission:

CeGaT Center for Human Genetics Tuebingen
Classification: Uncertain significance. Last evaluated: 2025-01-01. Review status: criteria provided, single submitter. Criteria: CeGaT Center For Human Genetics Tuebingen Variant Classification Criteria Version 2. Collection method: clinical testing. Allele origin: germline. Affected: yes. Observed: 1 variant allele.
Comment: DYNC2H1: PM2, BP4

NM_001377.3(DYNC2H1):c.3221A>G (p.Asn1074Ser)

Gene: DYNC2H1 (dynein cytoplasmic 2 heavy chain 1; plus strand). Cytogenetic location: 11q22.3.
Variant type: single nucleotide variant.
Coding change: c.3221A>G on transcript NM_001377.3 (MANE Select); coding-DNA position 3221, A replaced by G.
Protein change: p.Asn1074Ser; replaces asparagine 1074 with serine.
Molecular consequence: missense variant.
Genome position (GRCh38, 1-based): chr11:103,153,427, A>G. VCF-style: chr11-103153427-A-G. GRCh37 (hg19) VCF-style: chr11-103024156-A-G.
Other names: c.3221A>G, p.Asn1074Ser (NM_001080463.2); short protein forms N1074S.
Identifiers: ClinVar variation 3771918 (VCV003771918.13).